The following is an entry in ClinVar:

NM_019842.4(KCNQ5):c.2784T>C (p.His928=)

Gene: KCNQ5 (potassium voltage-gated channel subfamily Q member 5; plus strand). Cytogenetic location: 6q13.
Variant type: single nucleotide variant.
Coding change: c.2784T>C on transcript NM_019842.4 (MANE Select); coding-DNA position 2784, T replaced by C.
Protein change: p.His928=; no amino-acid change (histidine 928 retained).
Molecular consequence: synonymous variant.
Genome position (GRCh38, 1-based): chr6:73,195,399, T>C. VCF-style: chr6-73195399-T-C. GRCh37 (hg19) VCF-style: chr6-73905122-T-C.
Other names: c.2757T>C, p.His919= (NM_001160130.2); c.2814T>C, p.His938= (NM_001160132.2); c.2841T>C, p.His947= (NM_001160133.2); c.2454T>C, p.His818= (NM_001160134.2).
Identifiers: ClinVar variation 1653657 (VCV001653657.29), dbSNP rs117938048, ClinGen allele CA451109810.

ClinVar aggregate classification (germline): Likely benign. Review status: criteria provided, multiple submitters, no conflicts (2 of 4 stars). 2 submissions from 2 submitters: Likely benign (2). Last evaluated 2024-06-30.

gnomAD v4.1: 4 of 1,612,484 alleles (0.00025%); highest among the groups gnomAD compares: Non-Finnish European, 0.00034%; no homozygotes.

Submissions (2):

Labcorp Genetics (formerly Invitae), Labcorp
Classification: Likely benign. Last evaluated: 2024-06-30. Review status: criteria provided, single submitter. Criteria: Invitae Variant Classification Sherloc (09022015). Collection method: clinical testing. Allele origin: germline.

CeGaT Center for Human Genetics Tuebingen
Classification: Likely benign. Last evaluated: 2024-03-01. Review status: criteria provided, single submitter. Criteria: CeGaT Center For Human Genetics Tuebingen Variant Classification Criteria Version 2. Collection method: clinical testing. Allele origin: germline. Affected: yes. Observed: 1 variant allele.
Comment: KCNQ5: BP4, BP7